The following is an entry in ClinVar:

NM_002336.3(LRP6):c.3789T>C (p.Cys1263=)

Gene: LRP6 (LDL receptor related protein 6; minus strand). Cytogenetic location: 12p13.2.
Variant type: single nucleotide variant.
Coding change: c.3789T>C on transcript NM_002336.3 (MANE Select); coding-DNA position 3789, T replaced by C.
Protein change: p.Cys1263=; no amino-acid change (cysteine 1263 retained).
Molecular consequence: synonymous variant. On other transcripts: non-coding transcript variant (1), intron variant (2).
Genome position (GRCh38, 1-based): chr12:12,132,002, A>G on the plus strand (T>C on the coding strand, the complement: LRP6 is on the minus strand). VCF-style: chr12-12132002-A-G. GRCh37 (hg19) VCF-style: chr12-12284936-A-G.
Other names: c.3882T>C, p.Cys1294= (NM_001414244.1); c.3789T>C, p.Cys1263= (NM_001414245.1, NM_001414248.1, NM_001414249.1 and 1 more transcripts); c.3591T>C, p.Cys1197= (NM_001414247.1); c.3336T>C, p.Cys1112= (NM_001414252.1, NM_001414253.1, NM_001414254.1); c.3282T>C, p.Cys1094= (NM_001414255.1); c.3608-1109T>C (NM_001414251.1); c.3734-80T>C (NM_001414246.1).
Identifiers: ClinVar variation 4821090 (VCV004821090.4).
Genomic context (GRCh38, chr12:12,132,002, plus strand): 5'-GAGTTCATCACTGTGGTCTTCACATTCAGTAAACCCATCGCACCGCCAAGCCACAGGGAT[A>G]CAGTCAATTTCCCCCGTGAAACAAGTAAACTGCTGAGGAGAACATGTTGGAGGTTCTTCA-3'
Protein context (NP_002327.2, residues 1253-1273): QFTCFTGEID[Cys1263=]IPVAWRCDGF

ClinVar aggregate classification (germline): Likely benign (1 of 4 stars; one submission).

Submission:

CeGaT Center for Human Genetics Tuebingen
Classification: Likely benign. Last evaluated: 2026-01-01. Review status: criteria provided, single submitter. Criteria: CeGaT Center For Human Genetics Tuebingen Variant Classification Criteria Version 2. Collection method: clinical testing. Allele origin: germline. Affected: yes. Observed: 1 variant allele.
Comment: LRP6: PM2:Supporting, BP4, BP7